The following is an entry in ClinVar:

ClinVar aggregate classification (germline): Uncertain significance (1 of 4 stars; one submission).

Conditions:
Microcephaly, normal intelligence and immunodeficiency (NBS). Also called: IMMUNODEFICIENCY, MICROCEPHALY, AND CHROMOSOMAL INSTABILITY; SEEMANOVA SYNDROME II; Nijmegen breakage syndrome; Microcephaly with normal intelligence immunodeficiency and lymphoreticular malignancies; Nonsyndromal microcephaly autosomal recessive with normal intelligence; Seemanova syndrome 2. Identifiers: Orphanet 647, MedGen C0398791, MONDO:0009623, OMIM 251260.

Submission:

Labcorp Genetics (formerly Invitae), Labcorp
Classification: Uncertain significance for Microcephaly, normal intelligence and immunodeficiency. Last evaluated: 2023-11-02. Review status: criteria provided, single submitter. Criteria: Invitae Variant Classification Sherloc (09022015). Collection method: clinical testing. Allele origin: germline.
Comment: This sequence change replaces valine, which is neutral and non-polar, with isoleucine, which is neutral and non-polar, at codon 270 of the NBN protein (p.Val270Ile). This variant is not present in population databases (gnomAD no frequency). This variant has not been reported in the literature in individuals affected with NBN-related conditions. ClinVar contains an entry for this variant (Variation ID: 863924). Algorithms developed to predict the effect of missense changes on protein structure and function output the following: SIFT: "Not Available"; PolyPhen-2: "Possibly Damaging"; Align-GVGD: "Not Available". The isoleucine amino acid residue is found in multiple mammalian species, which suggests that this missense change does not adversely affect protein function. In summary, the available evidence is currently insufficient to determine the role of this variant in disease. Therefore, it has been classified as a Variant of Uncertain Significance.

NM_002485.5(NBN):c.808G>A (p.Val270Ile)

Gene: NBN (nibrin; minus strand). Cytogenetic location: 8q21.3.
Variant type: single nucleotide variant.
Coding change: c.808G>A on transcript NM_002485.5 (MANE Select); coding-DNA position 808, G replaced by A.
Protein change: p.Val270Ile; replaces valine 270 with isoleucine.
Molecular consequence: missense variant.
Genome position (GRCh38, 1-based): chr8:89,970,452, C>T on the plus strand (G>A on the coding strand, the complement: NBN is on the minus strand). VCF-style: chr8-89970452-C-T. GRCh37 (hg19) VCF-style: chr8-90982680-C-T.
Other names: c.562G>A, p.Val188Ile (NM_001024688.3); short protein forms V188I, V270I.
Identifiers: ClinVar variation 863924 (VCV000863924.9), dbSNP rs1811458935, ClinGen allele CA371658578.